The following is an entry in ClinVar:

NM_020884.7(MYH7B):c.3253G>A (p.Glu1085Lys)

Gene: MYH7B (myosin heavy chain 7B; plus strand). Cytogenetic location: 20q11.22.
Variant type: single nucleotide variant.
Coding change: c.3253G>A on transcript NM_020884.7 (MANE Select); coding-DNA position 3253, G replaced by A.
Protein change: p.Glu1085Lys; replaces glutamic acid 1085 with lysine.
Molecular consequence: missense variant.
Genome position (GRCh38, 1-based): chr20:34,996,745, G>A. VCF-style: chr20-34996745-G-A. GRCh37 (hg19) VCF-style: chr20-33584548-G-A.
Other names: short protein forms E1085K.
Identifiers: ClinVar variation 2991101 (VCV002991101.3), dbSNP rs1434809433, ClinGen allele CA408710460.

ClinVar aggregate classification (germline): Uncertain significance (1 of 4 stars; one submission).

Allele frequency attached by ClinVar (database versions not stated): gnomAD 0.00001; TOPMed 0.00001; 1000 Genomes Project 30x 0.00016.
gnomAD v4.1: 7 of 1,611,966 alleles (0.00043%); highest among the groups gnomAD compares: Admixed American, 0.0067%; no homozygotes.

Submission:

Labcorp Genetics (formerly Invitae), Labcorp
Classification: Uncertain significance. Last evaluated: 2023-08-11. Review status: criteria provided, single submitter. Criteria: Invitae Variant Classification Sherloc (09022015). Collection method: clinical testing. Allele origin: germline.
Comment: In summary, the available evidence is currently insufficient to determine the role of this variant in disease. Therefore, it has been classified as a Variant of Uncertain Significance. Advanced modeling of protein sequence and biophysical properties (such as structural, functional, and spatial information, amino acid conservation, physicochemical variation, residue mobility, and thermodynamic stability) performed at Invitae indicates that this missense variant is expected to disrupt MYH7B protein function. This variant has not been reported in the literature in individuals affected with MYH7B-related conditions. This variant is present in population databases (no rsID available, gnomAD 0.006%). This sequence change replaces glutamic acid, which is acidic and polar, with lysine, which is basic and polar, at codon 1127 of the MYH7B protein (p.Glu1127Lys).